The following is an entry in ClinVar:

ClinVar aggregate classification (germline): Benign. Review status: criteria provided, multiple submitters, no conflicts (2 of 4 stars). 2 submissions from 2 submitters: Benign (2). Last evaluated 2016-03-29.

Allele frequency attached by ClinVar (database versions not stated): ESP Exome Variant Server 0.40727; gnomAD 0.40919 and 0.41763; TOPMed 0.42926; gnomAD exomes 0.43668 and 0.44996; ExAC 0.44493; 1000 Genomes Project 30x 0.47736; 1000 Genomes Project 0.48343.
gnomAD v4.1: 702,130 of 1,613,376 alleles (44%); highest among the groups gnomAD compares: East Asian, 63%; 155,730 homozygotes.

Submissions (2):

Laboratory for Molecular Medicine, Mass General Brigham Personalized Medicine
Classification: Benign. Last evaluated: 2016-03-29. Review status: criteria provided, single submitter. Criteria: LMM Criteria. Collection method: clinical testing. Allele origin: germline.
Comment: Variant identified in a genome or exome case(s) and assessed due to predicted null impact of the variant or pathogenic assertions in the literature or databases. Disclaimer: This variant has not undergone full assessment. The following are preliminary notes: Frequency

Breakthrough Genomics
Classification: Benign. Review status: criteria provided, single submitter. Criteria: ACMG Guidelines, 2015. Collection method: not provided. Allele origin: germline. Inheritance: Unknown mechanism. Affected: yes.

NM_001289080.2(CNTN6):c.2259G>A (p.Val753=)

Gene: CNTN6 (contactin 6; plus strand). Cytogenetic location: 3p26.3.
Variant type: single nucleotide variant.
Coding change: c.2259G>A on transcript NM_001289080.2 (MANE Select); coding-DNA position 2259, G replaced by A.
Protein change: p.Val753=; no amino-acid change (valine 753 retained).
Molecular consequence: synonymous variant.
Genome position (GRCh38, 1-based): chr3:1,383,034, G>A. VCF-style: chr3-1383034-G-A. GRCh37 (hg19) VCF-style: chr3-1424718-G-A.
Other names: c.2043G>A, p.Val681= (NM_001289081.2); c.2259G>A, p.Val753= (NM_001349350.2, NM_001349351.2, NM_001349352.2 and 4 more transcripts); c.2151G>A, p.Val717= (NM_001349356.2); c.1947G>A, p.Val649= (NM_001349357.2); c.1704G>A, p.Val568= (NM_001349358.2); c.1137G>A, p.Val379= (NM_001349359.2, NM_001349360.2, NM_001349361.2 and 1 more transcripts).
Identifiers: ClinVar variation 402550 (VCV000402550.5), dbSNP rs2291101, ClinGen allele CA2226504.